The following is an entry in ClinVar:

NM_005477.3(HCN4):c.2507C>G (p.Ala836Gly)

Gene: HCN4 (hyperpolarization activated cyclic nucleotide gated potassium channel 4; minus strand). Cytogenetic location: 15q24.1.
Variant type: single nucleotide variant.
Coding change: c.2507C>G on transcript NM_005477.3 (MANE Select); coding-DNA position 2507, C replaced by G.
Protein change: p.Ala836Gly; replaces alanine 836 with glycine.
Molecular consequence: missense variant.
Genome position (GRCh38, 1-based): chr15:73,323,586, G>C on the plus strand (C>G on the coding strand, the complement: HCN4 is on the minus strand). VCF-style: chr15-73323586-G-C. GRCh37 (hg19) VCF-style: chr15-73615927-G-C.
Other names: short protein forms A836G.
Identifiers: ClinVar variation 2088442 (VCV002088442.4), dbSNP rs755045071, ClinGen allele CA393088760.

ClinVar aggregate classification (germline): Uncertain significance (1 of 4 stars; one submission).

Conditions:
Brugada syndrome 8 (BRGDA8). Identifiers: Orphanet 130, MedGen C2751083, MONDO:0013148, OMIM 613123.

Submission:

Labcorp Genetics (formerly Invitae), Labcorp
Classification: Uncertain significance for Brugada syndrome 8. Last evaluated: 2022-01-20. Review status: criteria provided, single submitter. Criteria: Invitae Variant Classification Sherloc (09022015). Collection method: clinical testing. Allele origin: germline.
Comment: This variant is not present in population databases (gnomAD no frequency). This sequence change replaces alanine, which is neutral and non-polar, with glycine, which is neutral and non-polar, at codon 836 of the HCN4 protein (p.Ala836Gly). This variant has not been reported in the literature in individuals affected with HCN4-related conditions. In summary, the available evidence is currently insufficient to determine the role of this variant in disease. Therefore, it has been classified as a Variant of Uncertain Significance. Advanced modeling of protein sequence and biophysical properties (such as structural, functional, and spatial information, amino acid conservation, physicochemical variation, residue mobility, and thermodynamic stability) performed at Invitae indicates that this missense variant is not expected to disrupt HCN4 protein function.